The following is an entry in ClinVar:

ClinVar aggregate classification (germline): Uncertain significance (1 of 4 stars; one submission).

Conditions:
Gastrointestinal stromal tumor. Also called: Gastrointestinal stroma tumor; Gastrointestinal stromal tumor, somatic. Identifiers: Orphanet 44890, MedGen C0238198, MeSH D046152, MONDO:0011719, OMIM 606764, HP:0100723.

Submission:

Labcorp Genetics (formerly Invitae), Labcorp
Classification: Uncertain significance for Gastrointestinal stromal tumor. Last evaluated: 2022-09-25. Review status: criteria provided, single submitter. Criteria: Invitae Variant Classification Sherloc (09022015). Collection method: clinical testing. Allele origin: germline.
Comment: This sequence change replaces valine, which is neutral and non-polar, with alanine, which is neutral and non-polar, at codon 991 of the PDGFRA protein (p.Val991Ala). This variant is not present in population databases (gnomAD no frequency). This variant has not been reported in the literature in individuals affected with PDGFRA-related conditions. Algorithms developed to predict the effect of missense changes on protein structure and function are either unavailable or do not agree on the potential impact of this missense change (SIFT: "Deleterious"; PolyPhen-2: "Possibly Damaging"; Align-GVGD: "Class C0"). In summary, the available evidence is currently insufficient to determine the role of this variant in disease. Therefore, it has been classified as a Variant of Uncertain Significance.

NM_006206.6(PDGFRA):c.2972T>C (p.Val991Ala)

Gene: PDGFRA (platelet derived growth factor receptor alpha; plus strand). Cytogenetic location: 4q12.
Variant type: single nucleotide variant.
Coding change: c.2972T>C on transcript NM_006206.6 (MANE Select); coding-DNA position 2972, T replaced by C.
Protein change: p.Val991Ala; replaces valine 991 with alanine.
Molecular consequence: missense variant.
Genome position (GRCh38, 1-based): chr4:54,290,404, T>C. VCF-style: chr4-54290404-T-C. GRCh37 (hg19) VCF-style: chr4-55156571-T-C.
Other names: c.3047T>C, p.Val1016Ala (NM_001347828.2); c.2972T>C, p.Val991Ala (NM_001347829.2); c.3011T>C, p.Val1004Ala (NM_001347830.2); short protein forms V1004A, V1016A, V991A.
Identifiers: ClinVar variation 1720335 (VCV001720335.6), dbSNP rs2475565496, ClinGen allele CA356896098.